The following is an entry in ClinVar:

NM_000135.4(FANCA):c.893+83C>A

Gene: FANCA (FA complementation group A; minus strand). Cytogenetic location: 16q24.3.
Variant type: single nucleotide variant.
Coding change: c.893+83C>A on transcript NM_000135.4 (MANE Select); 83 bases into the intron after coding-DNA position 893, C replaced by A.
Molecular consequence: intron variant.
Genome position (GRCh38, 1-based): chr16:89,799,083, G>T on the plus strand (C>A on the coding strand, the complement: FANCA is on the minus strand). VCF-style: chr16-89799083-G-T. GRCh37 (hg19) VCF-style: chr16-89865491-G-T.
Other names: c.893+83C>A (NM_001286167.3); c.798-4C>A (NM_001351830.2); c.894-4C>A (NM_001018112.3).
Identifiers: ClinVar variation 3048730 (VCV003048730.3), dbSNP rs151064671, ClinGen allele CA8252683.

ClinVar aggregate classification (germline): Likely benign. Review status: criteria provided, single submitter (1 of 4 stars). 2 submissions from 2 submitters: Likely benign (1). 1 of the submissions does not count toward it. Last evaluated 2024-11-21.

Conditions:
FANCA-related disorder. Also called: FANCA-related condition.

Allele frequency attached by ClinVar (database versions not stated): gnomAD 0.00006; ESP Exome Variant Server 0.00015; 1000 Genomes Project 30x 0.00016; 1000 Genomes Project 0.00020.
gnomAD v4.1: 54 of 1,614,212 alleles (0.0033%); highest among the groups gnomAD compares: Middle Eastern, 0.016%; 1 homozygote.

Submissions (2):

Blueprint Genetics
Classification: Likely benign. Last evaluated: 2024-11-21. Review status: criteria provided, single submitter. Criteria: ACMG Guidelines, 2015. Collection method: clinical testing. Allele origin: germline.

PreventionGenetics, part of Exact Sciences
Classification: Likely benign for FANCA-related condition. Last evaluated: 2022-10-26. Review status: no assertion criteria provided. Collection method: clinical testing. Allele origin: germline. Not counted in ClinVar's aggregate classification.
Comment: This variant is classified as likely benign based on ACMG/AMP sequence variant interpretation guidelines (Richards et al. 2015 PMID: 25741868, with internal and published modifications).